The following is an entry in ClinVar:

ClinVar aggregate classification (germline): Uncertain significance. Review status: criteria provided, single submitter (1 of 4 stars). 2 submissions from 2 submitters: Uncertain significance (1). 1 of the submissions does not count toward it. Last evaluated 2023-02-21.

Conditions:
Developmental and epileptic encephalopathy, 62. Also called: Early infantile epileptic encephalopathy 62. Identifiers: MedGen C4693699, MONDO:0033371, OMIM 617938.
SCN3A-related disorder. Also called: SCN3A-related condition.

gnomAD v4.1: 2 of 1,613,994 alleles (0.00012%); highest among the groups gnomAD compares: Non-Finnish European, 0.00017%; no homozygotes.

Submissions (2):

PreventionGenetics, part of Exact Sciences
Classification: Uncertain significance for SCN3A-related condition. Last evaluated: 2023-02-21. Review status: criteria provided, single submitter. Criteria: ACMG Guidelines, 2015. Collection method: clinical testing. Allele origin: germline.
Comment: The SCN3A c.4213G>T variant is predicted to result in the amino acid substitution p.Ala1405Ser. To our knowledge, this variant has not been reported in the literature. This variant is reported in 0.00088% of alleles in individuals of European (Non-Finnish) descent in gnomAD. At this time, the clinical significance of this variant is uncertain due to the absence of conclusive functional and genetic evidence.

Cytogénomique, Hospices Civils de Lyon
Classification: Benign for Developmental and epileptic encephalopathy, 62. Review status: no assertion criteria provided. Collection method: clinical testing. Allele origin: paternal. Inheritance: Autosomal dominant inheritance. Affected: yes. Not counted in ClinVar's aggregate classification.

NM_006922.4(SCN3A):c.4213G>T (p.Ala1405Ser)

Gene: SCN3A (sodium voltage-gated channel alpha subunit 3; minus strand). Cytogenetic location: 2q24.3.
Variant type: single nucleotide variant.
Coding change: c.4213G>T on transcript NM_006922.4 (MANE Select); coding-DNA position 4213, G replaced by T.
Protein change: p.Ala1405Ser; replaces alanine 1405 with serine.
Molecular consequence: missense variant.
Genome position (GRCh38, 1-based): chr2:165,097,278, C>A on the plus strand (G>T on the coding strand, the complement: SCN3A is on the minus strand). VCF-style: chr2-165097278-C-A. GRCh37 (hg19) VCF-style: chr2-165953788-C-A.
Other names: c.4066G>T, p.Ala1356Ser (NM_001081676.2, NM_001081677.2); short protein forms A1356S, A1405S.
Identifiers: ClinVar variation 1064520 (VCV001064520.2), dbSNP rs768382383, ClinGen allele CA1938632.